The following is an entry in ClinVar:

ClinVar aggregate classification (germline): Pathogenic (1 of 4 stars; one submission).

Conditions:
Familial adenomatous polyposis 1 (FAP1). Also called: FAMILIAL ADENOMATOUS POLYPOSIS 1, ATTENUATED; POLYPOSIS, ADENOMATOUS INTESTINAL. Identifiers: MedGen C2713442, MONDO:0021056, OMIM 175100. Disease mechanism: loss of function.

Submission:

Labcorp Genetics (formerly Invitae), Labcorp
Classification: Pathogenic for Familial adenomatous polyposis 1. Last evaluated: 2022-03-19. Review status: criteria provided, single submitter. Criteria: Invitae Variant Classification Sherloc (09022015). Collection method: clinical testing. Allele origin: germline.
Comment: A different truncation (p.Tyr2645Lysfs*14) that lies downstream of this variant has been determined to be pathogenic (PMID: 9824584, 1316610, 27081525, 8381579, 22135120, Invitae). This suggests that deletion of this region of the APC protein is causative of disease. This variant is expected to disrupt the EB1 and HDLG binding sites, which mediate interactions with the cytoskeleton (PMID: 15311282, 17293347). While functional studies have not been performed to directly test the effect on APC protein function, this suggests that disruption of the C-terminal portion of the protein is functionally important. For these reasons, this variant has been classified as Pathogenic. This variant has not been reported in the literature in individuals affected with APC-related conditions. This variant is not present in population databases (gnomAD no frequency). This sequence change creates a premature translational stop signal (p.Ser1505Alafs*2) in the APC gene. While this is not anticipated to result in nonsense mediated decay, it is expected to disrupt the last 1339 amino acid(s) of the APC protein.

Literature cited by the submitters: PubMed 9824584; PubMed 1316610; PubMed 27081525; PubMed 8381579; PubMed 22135120; PubMed 15311282; PubMed 17293347.

NM_000038.6(APC):c.4512del (p.Ser1505fs)

Gene: APC (APC regulator of Wnt signaling pathway; plus strand). Cytogenetic location: 5q22.2.
Variant type: Deletion.
Coding change: c.4512del on transcript NM_000038.6 (MANE Select); coding-DNA position 4512, one base deleted (C; older notation c.4512delC).
Protein change: p.Ser1505fs; shifts the reading frame from serine 1505.
Molecular consequence: frameshift variant.
Genome position (GRCh38, 1-based): chr5:112,840,106, C deleted; the last of 2 consecutive C bases (chr5:112,840,105-112,840,106); deleting either gives the same sequence. VCF-style (leftmost placement, unchanged base first): chr5-112840104-TC-T. GRCh37 (hg19) VCF-style: chr5-112175801-TC-T.
Other names: c.4512del, p.Ser1505fs (NM_001127510.3, NM_001354895.2); c.4458del, p.Ser1487fs (NM_001127511.3); c.4566del, p.Ser1523fs (NM_001354896.2); c.4542del, p.Ser1515fs (NM_001354897.2); c.4437del, p.Ser1480fs (NM_001354898.2); c.4428del, p.Ser1477fs (NM_001354899.2); c.4389del, p.Ser1464fs (NM_001354900.2); c.4335del, p.Ser1446fs (NM_001354901.2); and 16 more; short protein forms S1477fs, S1480fs, S1523fs, S1222fs, S1345fs, S1404fs, S1487fs, S1505fs.
Identifiers: ClinVar variation 2114662 (VCV002114662.4), dbSNP rs2533579866, ClinGen allele CA2580072528.
Genomic context (GRCh38, chr5:112,840,104, plus strand): 5'-GATGCTGATACTTTATTACATTTTGCCACGGAAAGTACTCCAGATGGATTTTCTTGTTCA[TC>T]CAGCCTGAGTGCTCTGAGCCTCGATGAGCCATTTATACAGAAAGATGTGGAATTAAGAAT-3'